The following is an entry in ClinVar:

NC_012920.1(MT-CYB):m.15113A>G

Gene: MT-CYB (mitochondrially encoded cytochrome b; plus strand).
Variant type: single nucleotide variant.
Genome position: chrM-15113-A-G.
Identifiers: ClinVar variation 693827 (VCV000693827.1), dbSNP rs1603225089, ClinGen allele CA913172979.
Genomic context (GRCh38, chrMT:15,113, plus strand): 5'-TATTACGGATCATTTCTCTACTCAGAAACCTGAAACATCGGCATTATCCTCCTGCTTGCA[A>G]CTATAGCAACAGCCTTCATAGGCTATGTCCTCCCGTGAGGCCAAATATCATTCTGAGGGG-3'

ClinVar aggregate classification (germline): Benign (1 of 4 stars; one submission).

Conditions:
Leigh syndrome (NULS). Also called: Leigh's necrotizing encephalopathy; Leigh's disease; Leigh's syndrome; LEIGH SYNDROME, NUCLEAR; Leigh Syndrome (mtDNA deletion); Leigh Disease. Identifiers: Orphanet 506, MedGen C2931891, MONDO:0009723, OMIM 256000.

Submission:

Wong Mito Lab, Molecular and Human Genetics, Baylor College of Medicine
Classification: Benign for Leigh syndrome. Last evaluated: 2019-10-17. Review status: criteria provided, single submitter. Criteria: Modified ACMG Guidelines (Unpublished). Collection method: clinical testing. Allele origin: germline.
Comment: The NC_012920.1:m.15113A>G (YP_003024038.1:p.Thr123Ala) variant in MTCYB gene is interpretated to be a Benign variant based on the modified ACMG guidelines (unpublished). This variant meets the following evidence codes: BS1, BS4